The following is an entry in ClinVar:

ClinVar aggregate classification (germline): Uncertain significance (1 of 4 stars; one submission).

Conditions:
Cardiovascular phenotype. Identifiers: MedGen CN230736.

Submission:

Ambry Genetics
Classification: Uncertain significance for Cardiovascular phenotype. Last evaluated: 2023-11-01. Review status: criteria provided, single submitter. Criteria: Ambry Variant Classification Scheme 2023. Collection method: clinical testing. Allele origin: germline.
Comment: The p.P292S variant (also known as c.874C>T), located in coding exon 7 of the SOS2 gene, results from a C to T substitution at nucleotide position 874. The proline at codon 292 is replaced by serine, an amino acid with similar properties. This amino acid position is conserved. In addition, the in silico prediction for this alteration is inconclusive. Since supporting evidence is limited at this time, the clinical significance of this alteration remains unclear.

NM_006939.4(SOS2):c.874C>T (p.Pro292Ser)

Gene: SOS2 (SOS Ras/Rho guanine nucleotide exchange factor 2; minus strand). Cytogenetic location: 14q21.3.
Variant type: single nucleotide variant.
Coding change: c.874C>T on transcript NM_006939.4 (MANE Select); coding-DNA position 874, C replaced by T.
Protein change: p.Pro292Ser; replaces proline 292 with serine.
Molecular consequence: missense variant.
Genome position (GRCh38, 1-based): chr14:50,180,667, G>A on the plus strand (C>T on the coding strand, the complement: SOS2 is on the minus strand). VCF-style: chr14-50180667-G-A. GRCh37 (hg19) VCF-style: chr14-50647385-G-A.
Other names: c.874C>T, p.Pro292Ser (NM_001411020.1); short protein forms P292S.
Identifiers: ClinVar variation 3225975 (VCV003225975.1), dbSNP rs2503093855, ClinGen allele CA389647109.